The following is an entry in ClinVar:

ClinVar aggregate classification (germline): Uncertain significance. Review status: criteria provided, multiple submitters, no conflicts (2 of 4 stars). 2 submissions from 2 submitters: Uncertain significance (2). Last evaluated 2026-03-16.

Allele frequency attached by ClinVar (database versions not stated): 1000 Genomes Project 30x 0.00031; gnomAD exomes 0.00001; ExAC 0.00006; ESP Exome Variant Server 0.00015; gnomAD 0.00018; 1000 Genomes Project 0.00020; TOPMed 0.00023.
gnomAD v4.1: 50 of 1,614,166 alleles (0.0031%); highest among the groups gnomAD compares: African/African-American, 0.051%; no homozygotes.

Submissions (2):

Women's Health and Genetics/Laboratory Corporation of America, LabCorp
Classification: Uncertain significance. Last evaluated: 2026-03-16. Review status: criteria provided, single submitter. Criteria: LabCorp Variant Classification Summary - May 2015. Collection method: clinical testing. Allele origin: germline.
Comment: Variant summary: DIP2B c.3212G>C (p.Cys1071Ser) results in a non-conservative amino acid change in the encoded protein sequence. Algorithms developed to predict the effect of missense changes on protein structure and function are either unavailable or do not agree on the potential impact of this missense change. The variant allele was found at a frequency of 5.2e-05 in 251436 control chromosomes. This frequency is not significantly higher than estimated for disease-causing variants in DIP2B, allowing no conclusion about variant significance. To our knowledge, no occurrence of c.3212G>C in individuals affected with DIP2B-related conditions and no experimental evidence demonstrating its impact on protein function have been reported. ClinVar contains an entry for this variant (Variation ID: 3082442). Based on the evidence outlined above, the variant was classified as uncertain significance.

Ambry Genetics
Classification: Uncertain significance. Last evaluated: 2023-12-13. Review status: criteria provided, single submitter. Criteria: Ambry Variant Classification Scheme 2023. Collection method: clinical testing. Allele origin: germline.

NM_173602.3(DIP2B):c.3212G>C (p.Cys1071Ser)

Gene: DIP2B (DIP2 acetate--CoA ligase B (putative); plus strand). Cytogenetic location: 12q13.12.
Variant type: single nucleotide variant.
Coding change: c.3212G>C on transcript NM_173602.3 (MANE Select); coding-DNA position 3212, G replaced by C.
Protein change: p.Cys1071Ser; replaces cysteine 1071 with serine.
Molecular consequence: missense variant.
Genome position (GRCh38, 1-based): chr12:50,723,247, G>C. VCF-style: chr12-50723247-G-C. GRCh37 (hg19) VCF-style: chr12-51117030-G-C.
Other names: short protein forms C1071S.
Identifiers: ClinVar variation 3082442 (VCV003082442.2), dbSNP rs143337436, ClinGen allele CA6565036.